The following is an entry in ClinVar:

ClinVar aggregate classification (germline): Uncertain significance. Review status: criteria provided, multiple submitters, no conflicts (2 of 4 stars). 3 submissions from 3 submitters: Uncertain significance (3). Last evaluated 2025-03-05.

Conditions:
Inborn genetic diseases. Identifiers: MedGen C0950123, MeSH D030342.

Allele frequency attached by ClinVar (database versions not stated): ExAC 0.00001; gnomAD 0.00001; gnomAD exomes 0.00001; TOPMed 0.00001.
gnomAD v4.1: 12 of 1,603,532 alleles (0.00075%); highest among the groups gnomAD compares: Non-Finnish European, 0.001%; no homozygotes.

Submissions (3):

Ambry Genetics
Classification: Uncertain significance for Inborn genetic diseases. Last evaluated: 2025-03-05. Review status: criteria provided, single submitter. Criteria: Ambry Variant Classification Scheme 2023. Collection method: clinical testing. Allele origin: germline.

Labcorp Genetics (formerly Invitae), Labcorp
Classification: Uncertain significance. Last evaluated: 2024-10-16. Review status: criteria provided, single submitter. Criteria: Invitae Variant Classification Sherloc (09022015). Collection method: clinical testing. Allele origin: germline.
Comment: This sequence change replaces glutamic acid, which is acidic and polar, with lysine, which is basic and polar, at codon 1097 of the BPTF protein (p.Glu1097Lys). This variant is present in population databases (rs750576908, gnomAD 0.003%). This variant has not been reported in the literature in individuals affected with BPTF-related conditions. ClinVar contains an entry for this variant (Variation ID: 2184991). An algorithm developed to predict the effect of missense changes on protein structure and function outputs the following: PolyPhen-2: "Benign". The lysine amino acid residue is found in multiple mammalian species, which suggests that this missense change does not adversely affect protein function. In summary, the available evidence is currently insufficient to determine the role of this variant in disease. Therefore, it has been classified as a Variant of Uncertain Significance.

Women's Health and Genetics/Laboratory Corporation of America, LabCorp
Classification: Uncertain significance. Last evaluated: 2024-03-13. Review status: criteria provided, single submitter. Criteria: LabCorp Variant Classification Summary - May 2015. Collection method: clinical testing. Allele origin: germline.
Comment: Variant summary: BPTF c.3289G>A (p.Glu1097Lys) results in a conservative amino acid change in the encoded protein sequence. Five of five in-silico tools predict a benign effect of the variant on protein function. The variant allele was found at a frequency of 1.2e-05 in 242540 control chromosomes (gnomAD). The available data on variant occurrences in the general population are insufficient to allow any conclusion about variant significance. To our knowledge, no occurrence of c.3289G>A in individuals affected with Neurodevelopmental Disorder With Dysmorphic Facies And Distal Limb Anomalies and no experimental evidence demonstrating its impact on protein function have been reported. ClinVar contains an entry for this variant (Variation ID: 2184991). Based on the evidence outlined above, the variant was classified as uncertain significance.

NM_182641.4(BPTF):c.2911G>A (p.Glu971Lys)

Gene: BPTF (bromodomain PHD finger transcription factor; plus strand). Cytogenetic location: 17q24.2.
Variant type: single nucleotide variant.
Coding change: c.2911G>A on transcript NM_182641.4 (MANE Select); coding-DNA position 2911, G replaced by A.
Protein change: p.Glu971Lys; replaces glutamic acid 971 with lysine.
Molecular consequence: missense variant.
Genome position (GRCh38, 1-based): chr17:67,909,680, G>A. VCF-style: chr17-67909680-G-A. GRCh37 (hg19) VCF-style: chr17-65905796-G-A.
Other names: c.3289G>A, p.Glu1097Lys (NM_004459.7); c.2911G>A (NM_182641.3); short protein forms E971K, E1097K.
Identifiers: ClinVar variation 2184991 (VCV002184991.7), dbSNP rs750576908, ClinGen allele CA8725547.